The following is an entry in ClinVar:

ClinVar aggregate classification (germline): Uncertain significance (1 of 4 stars; one submission).

Conditions:
Nemaline myopathy 2 (NEM2). Also called: Nemaline myopathy 2, autosomal recessive. Identifiers: MedGen C1850569, MONDO:0009725, OMIM 256030.

Submission:

Myriad Genetics, Inc.
Classification: Uncertain significance for Nemaline myopathy 2. Last evaluated: 2026-01-15. Review status: criteria provided, single submitter. Criteria: Myriad Autosomal Dominant, Autosomal Recessive and X-Linked Classification Criteria (2023). Collection method: clinical testing. Allele origin: unknown.
Comment: NM_001271208.1(NEB):c.23451+1G>T is a variant in a canonical splice site classified as a variant of uncertain significance in the context of NEB-related nemaline myopathy. c.23451+1G>T has not been observed in cases with relevant disease. Relevant functional assessments of this variant are not available in the literature. c.23451+1G>T has not been observed in referenced population frequency databases. In summary, there is insufficient evidence to classify NM_001271208.1(NEB):c.23451+1G>T as pathogenic or benign. Please note: this variant was assessed in the context of healthy population screening.

NM_001164508.2(NEB):c.23346+1G>T

Genes: NEB (nebulin; minus strand), RIF1 (replication timing regulatory factor 1; plus strand). Cytogenetic location: 2q23.3.
Variant type: single nucleotide variant.
Coding change: c.23346+1G>T on transcript NM_001164508.2 (MANE Select); the canonical splice donor site of the intron after coding-DNA position 23346, G replaced by T.
Molecular consequence: splice donor variant.
Genome position (GRCh38, 1-based): chr2:151,512,732, C>A on the plus strand (G>T on the coding strand, the complement: NEB is on the minus strand). VCF-style: chr2-151512732-C-A. GRCh37 (hg19) VCF-style: chr2-152369246-C-A.
Other names: c.18243+1G>T (NM_004543.5); c.23346+1G>T (NM_001164507.2); c.23451+1G>T (NM_001271208.2).
Identifiers: ClinVar variation 5004392 (VCV005004392.1).